The following is an entry in ClinVar:

ClinVar aggregate classification (germline): Conflicting classifications of pathogenicity. Review status: criteria provided, conflicting classifications (1 of 4 stars). 12 submissions from 11 submitters: Uncertain significance (4); Benign (1); Likely benign (3). 4 of the submissions do not count toward it. Last evaluated 2026-06-17.

Conditions:
AIPL1-related disorder. Also called: AIPL1-related disorders; AIPL1-related condition. Identifiers: MedGen CN239169.
Leber congenital amaurosis 4 (LCA4). Identifiers: MedGen C1858386, MONDO:0011458, OMIM 604393.
Retinitis pigmentosa (RP). Identifiers: Orphanet 791, MedGen C0035334, MeSH D012174, MONDO:0019200, OMIM 268000. Inheritance: Autosomal dominant, autosomal recessive and X linked inheritance.
Retinal dystrophy. Also called: Inherited retinal dystrophy. Identifiers: Orphanet 71862, MedGen C0854723, MeSH D058499, MONDO:0019118, HP:0000556.
Juvenile retinitis pigmentosa, AIPL1-related. Also called: AIPL1-Related Retinitis Pigmentosa. Identifiers: MedGen C2751763.
CONE-ROD DYSTROPHY, AIPL1-RELATED. Identifiers: MedGen C2751764, OMIM 604393.

Submissions (12):

PreventionGenetics, part of Exact Sciences
Classification: Uncertain significance for AIPL1-related condition. Last evaluated: 2026-06-17. Review status: criteria provided, single submitter. Criteria: ACMG Guidelines, 2015. Collection method: clinical testing. Allele origin: germline.
Comment: The AIPL1 c.1053_1064del12 variant is predicted to result in an in-frame deletion (p.Ala352_Pro355del). This variant has been reported in the heterozygous state in individuals with apparently autosomal dominant cone-rod dystrophy or juvenile retinitis pigmentosa (Sohocki et al. 2000. PubMed ID: 10873396; Sacristan-Reviriego et al. 2020. PubMed ID: 33067476). This deletion is located in the highly conserved "hinge region" of AIPL1, which is only present in primates (Sohocki et al. 2000. PubMed ID: 10873396). A transgenic mouse model has demonstrated a dominant negative effect on photoreceptors, leading to cone degeneration (Ku et al. 2015. PubMed ID: 25274777). In vitro functional studies revealed that this variant does not affect its cytoplasmic distribution, interaction with HSP90 or cGMP modulation; however these studies are not known to be informative for modeling of gain-of-function disease mechanisms (Sacristan-Reviriego et al 2020. PubMed ID: 33067476). Additionally, this variant is reported in 1.0% of alleles in individuals of Ashkenazi Jewish descent in gnomAD, which is likely too frequent to be a primary cause of disease. At this time, the clinical significance of this variant is uncertain due to the absence of conclusive functional and genetic evidence.

CeGaT Center for Human Genetics Tuebingen
Classification: Likely benign. Last evaluated: 2026-06-01. Review status: criteria provided, single submitter. Criteria: CeGaT Center For Human Genetics Tuebingen Variant Classification Criteria Version 2. Collection method: clinical testing. Allele origin: germline. Affected: yes. Observed: 1 variant allele.
Comment: AIPL1: PM4, BS2

Labcorp Genetics (formerly Invitae), Labcorp
Classification: Benign for Leber congenital amaurosis 4. Last evaluated: 2026-01-20. Review status: criteria provided, single submitter. Criteria: Invitae Variant Classification Sherloc (09022015). Collection method: clinical testing. Allele origin: germline.

Blueprint Genetics
Classification: Likely benign. Last evaluated: 2024-11-22. Review status: criteria provided, single submitter. Criteria: ACMG Guidelines, 2015. Collection method: clinical testing. Allele origin: germline.

Women's Health and Genetics/Laboratory Corporation of America, LabCorp
Classification: Uncertain significance. Last evaluated: 2022-03-12. Review status: criteria provided, single submitter. Criteria: LabCorp Variant Classification Summary - May 2015. Collection method: clinical testing. Allele origin: germline.
Comment: Variant summary: AIPL1 c.1053_1064del12 (p.Ala352_Pro355del) results in an in-frame deletion that is predicted to remove four amino acids from the encoded protein. The variant allele was found at a frequency of 0.00087 in 250120 control chromosomes. This frequency is not significantly higher than estimated for a pathogenic variant in AIPL1 causing Leber Congenital Amaurosis (0.00087 vs 0.0011), allowing no conclusion about variant significance. Although reported in the literature, as unlikely to be associated with autosomal dominant Inherited Retinal Degeneration (example, Hanany_2019), to our knowledge, no penetrant association of c.1053_1064del12 in individuals affected with Autosomal Recessive Leber Congenital Amaurosis and no experimental evidence demonstrating its impact on protein function have been reported. Three clinical diagnostic laboratories have submitted clinical-significance assessments for this variant to ClinVar after 2014 without evidence for independent evaluation (likely benign/benign, n=2; VUS, n=1). Based on the evidence outlined above, the variant was classified as VUS-possibly benign.

Institute of Human Genetics, Univ. Regensburg, Univ. Regensburg
Classification: Uncertain significance for Retinal dystrophy. Last evaluated: 2021-01-01. Review status: criteria provided, single submitter. Criteria: ACMG Guidelines, 2015. Collection method: clinical testing. Allele origin: germline. Affected: yes.

Department of Pathology and Laboratory Medicine, Sinai Health System
Classification: Uncertain significance for Retinitis pigmentosa; Leber congenital amaurosis 4. Last evaluated: 2020-08-26. Review status: criteria provided, single submitter. Criteria: ACMG Guidelines, 2015. Collection method: research. Allele origin: germline.

GeneDx
Classification: Likely benign. Last evaluated: 2015-03-03. Review status: criteria provided, single submitter. Criteria: GeneDx Variant Classification Process June 2021. Collection method: clinical testing. Allele origin: germline. Affected: yes.

Reproductive Health Research and Development, BGI Genomics
Classification: Uncertain significance for CONE-ROD DYSTROPHY, AIPL1-RELATED. Last evaluated: 2020-01-06. Review status: no assertion criteria provided. Collection method: curation. Allele origin: germline. Not counted in ClinVar's aggregate classification.
Comment: NM_014336.3:c.1053_1064delTGCAGAGCCACC in the AIPL1 gene has an allele frequency of 0.01 in Ashkenazi Jewish subpopulation in the gnomAD database. It has been detected in two individuals with cone-rod dystrophy (PMID: 10873396). This in-frame deletion happens in a repetitive region without known function. We interpret it as variant of uncertain significance (VUS). ACMG/AMP criteria applied: BP3, PP4.

OMIM
Classification: Pathogenic for RETINITIS PIGMENTOSA, JUVENILE, AIPL1-RELATED. Last evaluated: 2000-06-01. Review status: no assertion criteria provided. Collection method: literature only. Allele origin: germline. Not counted in ClinVar's aggregate classification.

OMIM
Classification: Pathogenic for CONE-ROD DYSTROPHY, AIPL1-RELATED. Last evaluated: 2000-06-01. Review status: no assertion criteria provided. Collection method: literature only. Allele origin: germline. Not counted in ClinVar's aggregate classification.

Retina International
No classification provided. Review status: no classification provided. Collection method: not provided. Allele origin: not provided. Not counted in ClinVar's aggregate classification.

Literature cited by the submitters: PubMed 30910914 (cited by Women's Health and Genetics/Laboratory Corporation of America, LabCorp and Institute of Human Genetics, Univ. Regensburg, Univ. Regensburg); PubMed 10873396 (cited by Institute of Human Genetics, Univ. Regensburg, Univ. Regensburg and OMIM); PubMed 15347646 (cited by Institute of Human Genetics, Univ. Regensburg, Univ. Regensburg); PubMed 25274777 (cited by Institute of Human Genetics, Univ. Regensburg, Univ. Regensburg); PubMed 26139345 (cited by Institute of Human Genetics, Univ. Regensburg, Univ. Regensburg); PubMed 31589614 (cited by Institute of Human Genetics, Univ. Regensburg, Univ. Regensburg); PubMed 33067476 (cited by Institute of Human Genetics, Univ. Regensburg, Univ. Regensburg); PubMed 34426522 (cited by Institute of Human Genetics, Univ. Regensburg, Univ. Regensburg).

NM_014336.5(AIPL1):c.1053_1064del (p.Ala352_Pro355del)

Gene: AIPL1 (AIP like 1 HSP90 co-chaperone; minus strand). Cytogenetic location: 17p13.2.
Variant type: Deletion.
Coding change: c.1053_1064del on transcript NM_014336.5 (MANE Select); coding-DNA positions 1053 to 1064, 12 bases deleted (TGCAGAGCCACC).
Protein change: p.Ala352_Pro355del.
Molecular consequence: inframe deletion. On other transcripts: 3 prime UTR variant (1).
Genome position (GRCh38, 1-based): chr17:6,425,551-6,425,562, GGTGGCTCTGCA deleted on the plus strand (TGCAGAGCCACC on the coding strand, the reverse complement: AIPL1 is on the minus strand); deleting any 12 consecutive bases within chr17:6,425,551-6,425,572 gives the same sequence; the c. name uses the placement nearest the transcript's 3' end. VCF-style (leftmost placement, unchanged base first): chr17-6425550-GGGTGGCTCTGCA-G. GRCh37 (hg19) VCF-style: chr17-6328870-GGGTGGCTCTGCA-G.
Other names: c.1043_1054delCAGAGCCACCTG (NM_014336.3); c.1053_1064delTGCAGAGCCACC (NM_014336.3); c.864_875del, p.Ala289_Pro292del (NM_001033054.3); c.873_884del, p.Ala292_Pro295del (NM_001033055.3); c.1017_1028del, p.Ala340_Pro343del (NM_001285399.3); c.987_998del, p.Ala330_Pro333del (NM_001285400.3); c.981_992del, p.Ala328_Pro331del (NM_001285401.3); c.936_947del, p.Ala313_Pro316del (NM_001285402.2); and 1 more.
Identifiers: ClinVar variation 5568 (VCV000005568.19), dbSNP rs281865195, ClinGen allele CA117602.